The following is an entry in ClinVar:

ClinVar aggregate classification (germline): Uncertain significance. Review status: criteria provided, multiple submitters, no conflicts (2 of 4 stars). 3 submissions from 3 submitters: Uncertain significance (2). 1 of the submissions does not count toward it. Last evaluated 2023-08-11.

Allele frequency attached by ClinVar (database versions not stated): 1000 Genomes Project 30x 0.00016.
gnomAD v4.1: 151 of 1,550,150 alleles (0.0097%); highest among the groups gnomAD compares: Non-Finnish European, 0.011%; no homozygotes.

Submissions (3):

Revvity Omics, Revvity
Classification: Uncertain significance. Last evaluated: 2023-08-11. Review status: criteria provided, single submitter. Criteria: ACMG Guidelines, 2015. Collection method: clinical testing. Allele origin: germline.

ARUP Laboratories, Molecular Genetics and Genomics, ARUP Laboratories
Classification: Uncertain significance. Last evaluated: 2023-01-03. Review status: criteria provided, single submitter. Criteria: ARUP Molecular Germline Variant Investigation Process 2024. Collection method: clinical testing. Allele origin: germline.

Department of Pathology and Laboratory Medicine, Sinai Health System
Classification: Uncertain significance. Review status: no assertion criteria provided. Collection method: clinical testing. Allele origin: unknown. Affected: yes. Study: The Canadian Open Genetics Repository (COGR). Not counted in ClinVar's aggregate classification.
Comment: The PIEZO1 p.Glu1764Gln variant was not identified in the literature nor was it identified in ClinVar. The variant was identified in dbSNP (ID: rs749976222) and LOVD 3.0 (classified once as pathogenic by VKGL data sharing initiative). The variant was identified in control databases in 11 of 185498 chromosomes at a frequency of 0.0000593 (Genome Aggregation Database March 6, 2019, v2.1.1). The variant was observed in the following populations: Other in 2 of 5440 chromosomes (freq: 0.000368), African in 2 of 16532 chromosomes (freq: 0.000121) and European (non-Finnish) in 7 of 74600 chromosomes (freq: 0.000094), but was not observed in the Latino, Ashkenazi Jewish, East Asian, European (Finnish), or South Asian populations. The p.Glu1764 residue is not conserved in mammals and computational analyses (PolyPhen-2, SIFT, AlignGVGD, BLOSUM, MutationTaster) provide inconsistent predictions regarding the impact to the protein; this information is not very predictive of pathogenicity. The variant occurs outside of the splicing consensus sequence and 1 of 4 in silico or computational prediction software programs (SpliceSiteFinder, MaxEntScan, NNSPLICE, GeneSplicer) predict a greater than 10% difference in splicing; this is not very predictive of pathogenicity. In summary, based on the above information the clinical significance of this variant cannot be determined with certainty at this time. This variant is classified as a variant of uncertain significance.

NM_001142864.4(PIEZO1):c.5290G>C (p.Glu1764Gln)

Gene: PIEZO1 (piezo type mechanosensitive ion channel component 1 (Er blood group); minus strand). Cytogenetic location: 16q24.3.
Variant type: single nucleotide variant.
Coding change: c.5290G>C on transcript NM_001142864.4 (MANE Select); coding-DNA position 5290, G replaced by C.
Protein change: p.Glu1764Gln; replaces glutamic acid 1764 with glutamine.
Molecular consequence: missense variant.
Genome position (GRCh38, 1-based): chr16:88,721,651, C>G on the plus strand (G>C on the coding strand, the complement: PIEZO1 is on the minus strand). VCF-style: chr16-88721651-C-G. GRCh37 (hg19) VCF-style: chr16-88788059-C-G.
Other names: short protein forms E1764Q.
Identifiers: ClinVar variation 1049973 (VCV001049973.4), dbSNP rs749976222, ClinGen allele CA286409600.